The following is an entry in ClinVar:

ClinVar aggregate classification (germline): Uncertain significance (1 of 4 stars; one submission).

Conditions:
Neonatal ichthyosis-sclerosing cholangitis syndrome (ILVASC). Also called: ICHTHYOSIS-SCLEROSING CHOLANGITIS SYNDROME; NISCH SYNDROME. Identifiers: Orphanet 59303, MedGen C1843355, MONDO:0011874, OMIM 607626.

Submission:

Kasturba Medical College, Manipal, Kasturba Medical College, Manipal, Manipal Academy of Higher Education, Manipal, India
Classification: Uncertain significance for Neonatal ichthyosis-sclerosing cholangitis syndrome. Review status: criteria provided, single submitter. Criteria: ACMG Guidelines, 2015. Collection method: research. Allele origin: biparental. Inheritance: Autosomal recessive inheritance. Affected: yes. Observed: 1 homozygote.
Comment: This variant is not reported in population databases like gnomAD (v4.1.0) or in our in-house data of 3717 exomes. In silico analysis tools (CADD_phred, REVEL) are consistent in predicting this variant as damaging to the CLDN1 protein function.

NM_021101.5(CLDN1):c.272G>T (p.Gly91Val)

Genes: CLDN1 (claudin 1; minus strand), CLDN16 (claudin 16; plus strand). Cytogenetic location: 3q28.
Variant type: single nucleotide variant.
Coding change: c.272G>T on transcript NM_021101.5 (MANE Select); coding-DNA position 272, G replaced by T.
Protein change: p.Gly91Val; replaces glycine 91 with valine.
Molecular consequence: missense variant. On other transcripts: intron variant (2).
Genome position (GRCh38, 1-based): chr3:190,312,988, C>A on the plus strand (G>T on the coding strand, the complement: CLDN1 is on the minus strand). VCF-style: chr3-190312988-C-A. GRCh37 (hg19) VCF-style: chr3-190030777-C-A.
Other names: c.-445-1905C>A (NM_001378492.1); c.-279+22397C>A (NM_001378493.1); short protein forms G91V.
Identifiers: ClinVar variation 4073569 (VCV004073569.1).